The following is an entry in ClinVar:

NM_015910.7(WDPCP):c.1748+18309G>C

Gene: WDPCP (WD repeat containing planar cell polarity effector; minus strand). Cytogenetic location: 2p15.
Variant type: single nucleotide variant.
Coding change: c.1748+18309G>C on transcript NM_015910.7 (MANE Select); 18309 bases into the intron after coding-DNA position 1748, G replaced by C.
Molecular consequence: intron variant. On other transcripts: splice acceptor variant (1).
Genome position (GRCh38, 1-based): chr2:63,360,077, C>G on the plus strand (G>C on the coding strand, the complement: WDPCP is on the minus strand). VCF-style: chr2-63360077-C-G. GRCh37 (hg19) VCF-style: chr2-63587212-C-G.
Other names: c.1676+18309G>C (NM_001354044.2); c.1271+18309G>C (NM_001042692.3); c.1749-1G>C (NM_001354045.2).
Identifiers: ClinVar variation 4991875 (VCV004991875.1).
Genomic context (GRCh38, chr2:63,360,077, plus strand): 5'-TGGCAATGAACCGCGATCACATCACTGCACTCCAGCCTGGGCGACAAGGCAAGACTCCAT[C>G]TAAAAAAAAAAATTGTACTTTATAAAATAACATTTCTTAGGAGAGTCAGACTAGCAGCTT-3'

ClinVar aggregate classification (germline): Uncertain significance (1 of 4 stars; one submission).

Conditions:
WDPCP-related disorder. Also called: WDPCP-related condition.

gnomAD v4.1: 1 of 151,302 alleles (0.00066%); highest among the groups gnomAD compares: Admixed American, 0.0066%; no homozygotes.

Submission:

PreventionGenetics, part of Exact Sciences
Classification: Uncertain significance for WDPCP-related condition. Last evaluated: 2026-09-17. Review status: criteria provided, single submitter. Criteria: ACMG Guidelines, 2015. Collection method: clinical testing. Allele origin: germline.
Comment: The WDPCP c.1749-1G>C variant is predicted to disrupt the AG splice acceptor site and interfere with normal splicing. On the MANE Select transcript (NM_015910), this variant is referred to as c.1748+18309G>C (Intronic). To our knowledge, this variant has not been reported in the literature or in a large population database (gnomAD), indicating this variant is rare. At this time, the clinical significance of this variant is uncertain due to the absence of conclusive functional and genetic evidence.